The following is an entry in ClinVar:

NM_177438.3(DICER1):c.860C>G (p.Ser287Cys)

Gene: DICER1 (dicer 1, ribonuclease III; minus strand). Cytogenetic location: 14q32.13.
Variant type: single nucleotide variant.
Coding change: c.860C>G on transcript NM_177438.3 (MANE Select); coding-DNA position 860, C replaced by G.
Protein change: p.Ser287Cys; replaces serine 287 with cysteine.
Molecular consequence: missense variant.
Genome position (GRCh38, 1-based): chr14:95,126,623, G>C on the plus strand (C>G on the coding strand, the complement: DICER1 is on the minus strand). VCF-style: chr14-95126623-G-C. GRCh37 (hg19) VCF-style: chr14-95592960-G-C.
Other names: c.860C>G, p.Ser287Cys (NM_001195573.1, NM_001271282.3, NM_001291628.2 and 1 more transcripts); short protein forms S287C.
Identifiers: ClinVar variation 412069 (VCV000412069.11), dbSNP rs1060503600, ClinGen allele CA16614280.

ClinVar aggregate classification (germline): Uncertain significance. Review status: criteria provided, multiple submitters, no conflicts (2 of 4 stars). 2 submissions from 2 submitters: Uncertain significance (2). Last evaluated 2025-05-01.

Conditions:
DICER1-related tumor predisposition. Also called: DICER1-related pleuropulmonary blastoma cancer predisposition syndrome; DICER1 syndrome. Identifiers: Orphanet 284343, MedGen C3839822, MONDO:0100216.
Hereditary cancer-predisposing syndrome. Also called: Hereditary neoplastic syndrome; Neoplastic Syndromes, Hereditary; Tumor predisposition; Hereditary Cancer Syndrome. Identifiers: Orphanet 140162, MedGen C0027672, MeSH D009386, MONDO:0015356.

Submissions (2):

Ambry Genetics
Classification: Uncertain significance for Hereditary cancer-predisposing syndrome. Last evaluated: 2025-05-01. Review status: criteria provided, single submitter. Criteria: Ambry Variant Classification Scheme 2023. Collection method: clinical testing. Allele origin: germline.
Comment: The p.S287C variant (also known as c.860C>G), located in coding exon 6 of the DICER1 gene, results from a C to G substitution at nucleotide position 860. The serine at codon 287 is replaced by cysteine, an amino acid with dissimilar properties. This amino acid position is not well conserved in available vertebrate species. In addition, this alteration is predicted to be tolerated by in silico analysis. Based on the available evidence, the clinical significance of this variant remains unclear.

Labcorp Genetics (formerly Invitae), Labcorp
Classification: Uncertain significance for DICER1-related tumor predisposition. Last evaluated: 2020-11-05. Review status: criteria provided, single submitter. Criteria: Invitae Variant Classification Sherloc (09022015). Collection method: clinical testing. Allele origin: germline.
Comment: This sequence change replaces serine with cysteine at codon 287 of the DICER1 protein (p.Ser287Cys). The serine residue is moderately conserved and there is a moderate physicochemical difference between serine and cysteine. This variant is not present in population databases (ExAC no frequency) and has not been reported in the literature in individuals with a DICER1-related disease. Algorithms developed to predict the effect of missense changes on protein structure and function do not agree on the potential impact of this missense change (SIFT: "Deleterious"; PolyPhen-2: "Benign"; Align-GVGD: "Class C15"). In summary, this variant is a novel missense change with uncertain impact on protein function. It has been classified as a Variant of Uncertain Significance.